The following is an entry in ClinVar:

ClinVar aggregate classification (germline): Benign/Likely benign. Review status: criteria provided, multiple submitters, no conflicts (2 of 4 stars). 10 submissions from 10 submitters: Benign (3); Likely benign (6). 1 of the submissions does not count toward it. Last evaluated 2026-01-24.

Conditions:
Inborn genetic diseases. Identifiers: MedGen C0950123, MeSH D030342.
Charcot-Marie-Tooth disease. Also called: Charcot-Marie-Tooth Hereditary Neuropathy; Charcot-Marie-Tooth Neuropathy. Identifiers: Orphanet 166, MedGen C0007959, MONDO:0015626.
Charcot-Marie-Tooth disease type 4. Also called: Charcot-Marie-Tooth, Type 4; Charcot-Marie-Tooth disease, type IV. Identifiers: Orphanet 64749, MedGen C4082197, MONDO:0018995.
Charcot-Marie-Tooth disease type 4D. Also called: CHARCOT-MARIE-TOOTH DISEASE, DEMYELINATING, AUTOSOMAL RECESSIVE, TYPE 4D; CHARCOT-MARIE-TOOTH DISEASE, DEMYELINATING, TYPE 4D; NEUROPATHY, HEREDITARY MOTOR AND SENSORY, LOM TYPE; Charcot-Marie-Tooth Neuropathy Type 4D. Identifiers: Orphanet 99950, MedGen C1832334, MONDO:0011085, OMIM 601455.

Allele frequency attached by ClinVar (database versions not stated): gnomAD exomes 0.00041 and 0.00117; ExAC 0.00127; ESP Exome Variant Server 0.00354; gnomAD 0.00433 and 0.00458; TOPMed 0.00478; 1000 Genomes Project 0.00559; 1000 Genomes Project 30x 0.00593.
gnomAD v4.1: 1,287 of 1,614,200 alleles (0.08%); highest among the groups gnomAD compares: African/African-American, 1.5%; 11 homozygotes.

Submissions (10):

Labcorp Genetics (formerly Invitae), Labcorp
Classification: Benign for Charcot-Marie-Tooth disease type 4. Last evaluated: 2026-01-24. Review status: criteria provided, single submitter. Criteria: Invitae Variant Classification Sherloc (09022015). Collection method: clinical testing. Allele origin: germline.

CeGaT Center for Human Genetics Tuebingen
Classification: Likely benign. Last evaluated: 2025-12-01. Review status: criteria provided, single submitter. Criteria: CeGaT Center For Human Genetics Tuebingen Variant Classification Criteria Version 2. Collection method: clinical testing. Allele origin: germline. Affected: yes. Observed: 1 variant allele.
Comment: NDRG1: BP4, BP7, BS1

Blueprint Genetics
Classification: Likely benign. Last evaluated: 2024-07-30. Review status: criteria provided, single submitter. Criteria: ACMG Guidelines, 2015. Collection method: clinical testing. Allele origin: germline.

ARUP Laboratories, Molecular Genetics and Genomics, ARUP Laboratories
Classification: Benign for Charcot-Marie-Tooth disease type 4D. Last evaluated: 2023-10-14. Review status: criteria provided, single submitter. Criteria: ARUP Molecular Germline Variant Investigation Process 2024. Collection method: clinical testing. Allele origin: germline.

GeneDx
Classification: Likely benign. Last evaluated: 2020-11-06. Review status: criteria provided, single submitter. Criteria: GeneDx Variant Classification Process June 2021. Collection method: clinical testing. Allele origin: germline. Affected: yes.

Ambry Genetics
Classification: Likely benign for Inborn genetic diseases. Last evaluated: 2019-07-11. Review status: criteria provided, single submitter. Criteria: Ambry Variant Classification Scheme 2023. Collection method: clinical testing. Allele origin: germline.

Mayo Clinic Laboratories, Mayo Clinic
Classification: Benign. Last evaluated: 2016-10-19. Review status: criteria provided, single submitter. Criteria: ACMG Guidelines, 2015. Collection method: clinical testing. Allele origin: germline. Observed: 4 variant alleles.

Breakthrough Genomics
Classification: Likely benign. Review status: criteria provided, single submitter. Criteria: ACMG Guidelines, 2015. Collection method: not provided. Allele origin: germline. Inheritance: Autosomal recessive inheritance. Affected: yes.

Molecular Genetics Laboratory, London Health Sciences Centre
Classification: Likely benign for Charcot-Marie-Tooth disease. Review status: criteria provided, single submitter. Criteria: ACMG Guidelines, 2015. Collection method: clinical testing. Allele origin: germline. Affected: yes.

Natera, Inc.
Classification: Likely benign for Charcot-Marie-Tooth disease type 4D. Last evaluated: 2019-12-13. Review status: no assertion criteria provided. Collection method: clinical testing. Allele origin: germline. Not counted in ClinVar's aggregate classification.

NM_006096.4(NDRG1):c.879G>A (p.Pro293=)

Gene: NDRG1 (N-myc downstream regulated 1; minus strand). Cytogenetic location: 8q24.22.
Variant type: single nucleotide variant.
Coding change: c.879G>A on transcript NM_006096.4 (MANE Select); coding-DNA position 879, G replaced by A.
Protein change: p.Pro293=; no amino-acid change (proline 293 retained).
Molecular consequence: synonymous variant.
Genome position (GRCh38, 1-based): chr8:133,244,367, C>T on the plus strand (G>A on the coding strand, the complement: NDRG1 is on the minus strand). VCF-style: chr8-133244367-C-T. GRCh37 (hg19) VCF-style: chr8-134256610-C-T.
Other names: p.Pro293=; c.879G>A, p.Pro293= (NM_001135242.2, NM_001374845.1, NM_001374846.1); c.681G>A, p.Pro227= (NM_001258432.2, NM_001374847.1); c.636G>A, p.Pro212= (NM_001258433.2); c.930G>A, p.Pro310= (NM_001374844.1).
Identifiers: ClinVar variation 416508 (VCV000416508.42), dbSNP rs2233340, ClinGen allele CA4886516.